The following is an entry in ClinVar:

ClinVar aggregate classification (germline): Uncertain significance. Review status: criteria provided, multiple submitters, no conflicts (2 of 4 stars). 2 submissions from 2 submitters: Uncertain significance (2). Last evaluated 2024-12-09.

gnomAD v4.1: 2 of 1,613,088 alleles (0.00012%); highest among the groups gnomAD compares: Admixed American, 0.0017%; no homozygotes.

Submissions (2):

Dasa
Classification: Uncertain significance. Last evaluated: 2024-12-09. Review status: criteria provided, single submitter. Criteria: DASA Assertion Criteria. Collection method: clinical testing. Allele origin: germline.
Comment: NM_006941.4(SOX10):c.648C>G (p.His216Gln) is a missense variant that results in the substitution of histidine with glutamine. This variant is rare in population databases. Computational prediction algorithms are consistent with a benign effect. The currently available literature and clinical evidence are not sufficient to establish a definitive association between this variant and the reported condition. Therefore, this variant is classified as a variant of uncertain significance.

Labcorp Genetics (formerly Invitae), Labcorp
Classification: Uncertain significance. Last evaluated: 2022-10-24. Review status: criteria provided, single submitter. Criteria: Invitae Variant Classification Sherloc (09022015). Collection method: clinical testing. Allele origin: germline.
Comment: In summary, the available evidence is currently insufficient to determine the role of this variant in disease. Therefore, it has been classified as a Variant of Uncertain Significance. Advanced modeling of protein sequence and biophysical properties (such as structural, functional, and spatial information, amino acid conservation, physicochemical variation, residue mobility, and thermodynamic stability) performed at Invitae indicates that this missense variant is not expected to disrupt SOX10 protein function. ClinVar contains an entry for this variant (Variation ID: 1382082). This variant has not been reported in the literature in individuals affected with SOX10-related conditions. This variant is not present in population databases (gnomAD no frequency). This sequence change replaces histidine, which is basic and polar, with glutamine, which is neutral and polar, at codon 216 of the SOX10 protein (p.His216Gln).

NM_006941.4(SOX10):c.648C>G (p.His216Gln)

Genes: POLR2F (RNA polymerase II, I and III subunit F; plus strand), SOX10 (SRY-box transcription factor 10; minus strand). Cytogenetic location: 22q13.1.
Variant type: single nucleotide variant.
Coding change: c.648C>G on transcript NM_006941.4 (MANE Select); coding-DNA position 648, C replaced by G.
Protein change: p.His216Gln; replaces histidine 216 with glutamine.
Molecular consequence: missense variant. On other transcripts: intron variant (3).
Genome position (GRCh38, 1-based): chr22:37,977,916, G>C on the plus strand (C>G on the coding strand, the complement: SOX10 is on the minus strand). VCF-style: chr22-37977916-G-C. GRCh37 (hg19) VCF-style: chr22-38373923-G-C.
Other names: c.*38+5606G>C (NM_001363825.1); c.294-8238G>C (NM_001301130.2); c.293+10746G>C (NM_001301131.2); short protein forms H216Q.
Identifiers: ClinVar variation 1382082 (VCV001382082.8), dbSNP rs571227999, ClinGen allele CA411497241.